The following is an entry in ClinVar:

NM_017654.4(SAMD9):c.55G>A (p.Val19Ile)

Gene: SAMD9 (sterile alpha motif domain containing 9; minus strand). Cytogenetic location: 7q21.2.
Variant type: single nucleotide variant.
Coding change: c.55G>A on transcript NM_017654.4 (MANE Select); coding-DNA position 55, G replaced by A.
Protein change: p.Val19Ile; replaces valine 19 with isoleucine.
Molecular consequence: missense variant.
Genome position (GRCh38, 1-based): chr7:93,106,043, C>T on the plus strand (G>A on the coding strand, the complement: SAMD9 is on the minus strand). VCF-style: chr7-93106043-C-T. GRCh37 (hg19) VCF-style: chr7-92735356-C-T.
Other names: c.55G>A (NM_017654.3); c.55G>A, p.Val19Ile (NM_001193307.2); short protein forms V19I.
Identifiers: ClinVar variation 1508827 (VCV001508827.9), dbSNP rs1158948048, ClinGen allele CA368206441.

ClinVar aggregate classification (germline): Uncertain significance. Review status: criteria provided, multiple submitters, no conflicts (2 of 4 stars). 2 submissions from 2 submitters: Uncertain significance (2). Last evaluated 2024-12-03.

Conditions:
Inborn genetic diseases. Identifiers: MedGen C0950123, MeSH D030342.

Allele frequency attached by ClinVar (database versions not stated): gnomAD exomes below 0.00001.
gnomAD v4.1: 3 of 1,594,330 alleles (0.00019%); highest among the groups gnomAD compares: Admixed American, 0.0018%; no homozygotes.

Submissions (2):

Ambry Genetics
Classification: Uncertain significance for Inborn genetic diseases. Last evaluated: 2024-12-03. Review status: criteria provided, single submitter. Criteria: Ambry Variant Classification Scheme 2023. Collection method: clinical testing. Allele origin: germline.
Comment: The p.V19I variant (also known as c.55G>A), located in coding exon 1 of the SAMD9 gene, results from a G to A substitution at nucleotide position 55. The valine at codon 19 is replaced by isoleucine, an amino acid with highly similar properties. This amino acid position is conserved. In addition, this alteration is predicted to be tolerated by in silico analysis. Based on the available evidence, the clinical significance of this variant remains unclear.

Labcorp Genetics (formerly Invitae), Labcorp
Classification: Uncertain significance. Last evaluated: 2024-09-05. Review status: criteria provided, single submitter. Criteria: Invitae Variant Classification Sherloc (09022015). Collection method: clinical testing. Allele origin: germline.
Comment: This sequence change replaces valine, which is neutral and non-polar, with isoleucine, which is neutral and non-polar, at codon 19 of the SAMD9 protein (p.Val19Ile). The frequency data for this variant in the population databases is considered unreliable, as metrics indicate poor data quality at this position in the gnomAD database. This variant has not been reported in the literature in individuals affected with SAMD9-related conditions. ClinVar contains an entry for this variant (Variation ID: 1508827). Invitae Evidence Modeling of protein sequence and biophysical properties (such as structural, functional, and spatial information, amino acid conservation, physicochemical variation, residue mobility, and thermodynamic stability) has been performed for this missense variant. However, the output from this modeling did not meet the statistical confidence thresholds required to predict the impact of this variant on SAMD9 protein function. In summary, the available evidence is currently insufficient to determine the role of this variant in disease. Therefore, it has been classified as a Variant of Uncertain Significance.